The following is an entry in ClinVar:

ClinVar aggregate classification (germline): Benign/Likely benign. Review status: criteria provided, multiple submitters, no conflicts (2 of 4 stars). 3 submissions from 3 submitters: Benign (1); Likely benign (2). Last evaluated 2024-12-19.

Conditions:
Hereditary cancer-predisposing syndrome. Also called: Hereditary Cancer Syndrome; Hereditary neoplastic syndrome; Neoplastic Syndromes, Hereditary; Tumor predisposition. Identifiers: Orphanet 140162, MedGen C0027672, MeSH D009386, MONDO:0015356.
Lynch syndrome. Identifiers: Orphanet 144, MedGen C4552100, MONDO:0005835. Disease mechanism: loss of function.
Lynch syndrome 5 (LYNCH5). Also called: Hereditary non-polyposis colorectal cancer, type 5; Colorectal cancer, hereditary nonpolyposis, type 5. Identifiers: Orphanet 144, MedGen C1833477, MONDO:0013710, OMIM 614350. Disease mechanism: loss of function.

Submissions (3):

Myriad Genetics, Inc.
Classification: Benign for Lynch syndrome 5. Last evaluated: 2024-12-19. Review status: criteria provided, single submitter. Criteria: Myriad Autosomal Dominant, Autosomal Recessive and X-Linked Classification Criteria (2023). Collection method: clinical testing. Allele origin: unknown.
Comment: This variant is considered benign. This variant is a silent/synonymous amino acid change and it is not expected to impact splicing.

All of Us Research Program, National Institutes of Health
Classification: Likely benign for Lynch syndrome. Last evaluated: 2024-04-25. Review status: criteria provided, single submitter. Criteria: ACMG Guidelines, 2015. Collection method: clinical testing. Allele origin: germline. Inheritance: Autosomal dominant inheritance. Observed: 1 variant allele, 1 heterozygote.
Comment: This study involves interpretation of variants in research participants for the purpose of population health screening. Participant phenotype was not available at the time of variant classification. Additional details can be found in publication PMID: 35346344, PMCID: PMC8962531

Ambry Genetics
Classification: Likely benign for Hereditary cancer-predisposing syndrome. Last evaluated: 2022-10-19. Review status: criteria provided, single submitter. Criteria: Ambry Variant Classification Scheme 2023. Collection method: clinical testing. Allele origin: germline.

NM_000179.3(MSH6):c.561G>A (p.Lys187=)

Gene: MSH6 (mutS homolog 6; plus strand). Cytogenetic location: 2p16.3.
Variant type: single nucleotide variant.
Coding change: c.561G>A on transcript NM_000179.3 (MANE Select); coding-DNA position 561, G replaced by A.
Protein change: p.Lys187=; no amino-acid change (lysine 187 retained).
Molecular consequence: synonymous variant. On other transcripts: 5 prime UTR variant (2), non-coding transcript variant (5), intron variant (8).
Genome position (GRCh38, 1-based): chr2:47,795,997, G>A. VCF-style: chr2-47795997-G-A. GRCh37 (hg19) VCF-style: chr2-48023136-G-A.
Other names: c.-342G>A (NM_001281494.2); c.657G>A, p.Lys219= (NM_001406795.1, NM_001406802.1); c.561G>A, p.Lys187= (NM_001406796.1, NM_001406798.1, NM_001406800.1 and 5 more transcripts); c.264G>A, p.Lys88= (NM_001406797.1, NM_001406801.1, NM_001406805.1 and 10 more transcripts); c.36G>A, p.Lys12= (NM_001406799.1, NM_001406806.1, NM_001406807.1); c.483G>A, p.Lys161= (NM_001406804.1); c.567G>A, p.Lys189= (NM_001406813.1); c.-434G>A (NM_001406814.1); and 3 more.
Identifiers: ClinVar variation 1748682 (VCV001748682.4), dbSNP rs2104236029, ClinGen allele CA425993000.
Genomic context (GRCh38, chr2:47,795,997, plus strand): 5'-TGCAAAGCCTGAAATACTGAGAGCAATGCAACGTGCAGATGAAGCCTTAAATAAAGACAA[G>A]ATTAAGAGGCTTGAATTGGCAGTTTGTGATGAGCCCTCAGAGCCAGAAGAGGAAGAAGAG-3'
Protein context (NP_000170.1, residues 177-197): QRADEALNKD[Lys187=]IKRLELAVCD